The following is an entry in ClinVar:

ClinVar aggregate classification (germline): Uncertain significance (1 of 4 stars; one submission).

Conditions:
RASopathy. Also called: rasopathies; Noonan spectrum disorder. Identifiers: Orphanet 536391, MedGen C5555857, MONDO:0021060.

gnomAD v4.1: 1 of 1,611,962 alleles (0.000062%); highest among the groups gnomAD compares: Non-Finnish European, 0.000085%; no homozygotes.

Submission:

Labcorp Genetics (formerly Invitae), Labcorp
Classification: Uncertain significance for RASopathy. Last evaluated: 2022-09-01. Review status: criteria provided, single submitter. Criteria: Invitae Variant Classification Sherloc (09022015). Collection method: clinical testing. Allele origin: germline.
Comment: In summary, the available evidence is currently insufficient to determine the role of this variant in disease. Therefore, it has been classified as a Variant of Uncertain Significance. Algorithms developed to predict the effect of sequence changes on RNA splicing suggest that this variant may create or strengthen a splice site. Advanced modeling of protein sequence and biophysical properties (such as structural, functional, and spatial information, amino acid conservation, physicochemical variation, residue mobility, and thermodynamic stability) performed at Invitae indicates that this missense variant is expected to disrupt CBL protein function. This variant has not been reported in the literature in individuals affected with CBL-related conditions. This variant is not present in population databases (gnomAD no frequency). This sequence change replaces cysteine, which is neutral and slightly polar, with glycine, which is neutral and non-polar, at codon 384 of the CBL protein (p.Cys384Gly).

NM_005188.4(CBL):c.1150T>G (p.Cys384Gly)

Gene: CBL (Cbl proto-oncogene; plus strand). Cytogenetic location: 11q23.3.
Variant type: single nucleotide variant.
Coding change: c.1150T>G on transcript NM_005188.4 (MANE Select); coding-DNA position 1150, T replaced by G.
Protein change: p.Cys384Gly; replaces cysteine 384 with glycine.
Molecular consequence: missense variant.
Genome position (GRCh38, 1-based): chr11:119,278,220, T>G. VCF-style: chr11-119278220-T-G. GRCh37 (hg19) VCF-style: chr11-119148930-T-G.
Other names: short protein forms C384G.
Identifiers: ClinVar variation 2093085 (VCV002093085.4), dbSNP rs387906664, ClinGen allele CA295987.